The following is an entry in ClinVar:

NM_001077350.3(NPRL3):c.394-2A>G

Genes: HBA-LCR (alpha-globin locus control region; plus strand), NPRL3 (NPR3 like, GATOR1 complex subunit; minus strand). Cytogenetic location: 16p13.3.
Variant type: single nucleotide variant.
Coding change: c.394-2A>G on transcript NM_001077350.3 (MANE Select); the canonical splice acceptor site of the intron before coding-DNA position 394, A replaced by G.
Molecular consequence: splice acceptor variant.
Genome position (GRCh38, 1-based): chr16:112,777, T>C on the plus strand (A>G on the coding strand, the complement: NPRL3 is on the minus strand). VCF-style: chr16-112777-T-C. GRCh37 (hg19) VCF-style: chr16-162776-T-C.
Other names: c.160-2A>G (NM_001243247.2); c.319-2A>G (NM_001243248.2, NM_001243249.2); c.-144-2A>G (NM_001039476.3).
Identifiers: ClinVar variation 3646555 (VCV003646555.2).

ClinVar aggregate classification (germline): Likely pathogenic (1 of 4 stars; one submission).

Conditions:
Epilepsy, familial focal, with variable foci 3 (FFEVF3). Identifiers: MedGen C4310708, MONDO:0014925, OMIM 617118.

gnomAD v4.1: 1 of 1,591,136 alleles (0.000063%); highest among the groups gnomAD compares: Non-Finnish European, 0.000086%; no homozygotes.

Submission:

Labcorp Genetics (formerly Invitae), Labcorp
Classification: Likely pathogenic for Epilepsy, familial focal, with variable foci 3. Last evaluated: 2024-03-18. Review status: criteria provided, single submitter. Criteria: Invitae Variant Classification Sherloc (09022015). Collection method: clinical testing. Allele origin: germline.
Comment: This sequence change affects an acceptor splice site in intron 5 of the NPRL3 gene. It is expected to disrupt RNA splicing. Variants that disrupt the donor or acceptor splice site typically lead to a loss of protein function (PMID: 16199547), and loss-of-function variants in NPRL3 are known to be pathogenic (PMID: 26285051, 26505888). This variant is not present in population databases (gnomAD no frequency). This variant has not been reported in the literature in individuals affected with NPRL3-related conditions. Algorithms developed to predict the effect of sequence changes on RNA splicing suggest that this variant may disrupt the consensus splice site. In summary, the currently available evidence indicates that the variant is pathogenic, but additional data are needed to prove that conclusively. Therefore, this variant has been classified as Likely Pathogenic.

Literature cited by the submitters: PubMed 16199547; PubMed 26285051; PubMed 26505888.